The following is an entry in ClinVar:

ClinVar aggregate classification (germline): Conflicting classifications of pathogenicity. Review status: criteria provided, conflicting classifications (1 of 4 stars). 11 submissions from 10 submitters: Uncertain significance (6); Likely benign (3). 2 of the submissions do not count toward it. Last evaluated 2026-03-04.

Conditions:
Cardiovascular phenotype. Identifiers: MedGen CN230736.
Hypercholesterolemia, autosomal dominant, type B (FHCL2). Also called: Familial hypercholesterolemia 2; Familial Hypercholesterolemia Type B; APOLIPOPROTEIN B-100, FAMILIAL DEFECTIVE; APOLIPOPROTEIN B-100, FAMILIAL LIGAND-DEFECTIVE; HYPERCHOLESTEROLEMIA, FAMILIAL, DUE TO LIGAND-DEFECTIVE APOLIPOPROTEIN B; APOB-Related Familial Hypercholesterolemia, Autosomal Dominant. Identifiers: MedGen C1704417, MONDO:0007751, OMIM 144010.
Familial hypobetalipoproteinemia 1. Also called: Hypobetalipoproteinemia, normotriglyceridemic; Acanthocytosis with hypobetalipoproteinemia; APOB-Related Familial Hypobetalipoproteinemia. Identifiers: MedGen C4551990, MONDO:0014252, OMIM 615558.
Familial hypercholesterolemia. Also called: Familial hypercholesterolaemia; Familial hypercholesterolemias. Identifiers: MedGen C0020445, MONDO:0005439.

Allele frequency attached by ClinVar (database versions not stated): TOPMed 0.00015; gnomAD 0.00018 and 0.00019; ESP Exome Variant Server 0.00031.

Submissions (11):

Cambridge Genomics Laboratory, East Genomic Laboratory Hub, NHS Genomic Medicine Service
Classification: Uncertain significance for Familial hypercholesterolaemia. Last evaluated: 2026-03-04. Review status: criteria provided, single submitter. Criteria: ACGS Best Practice Guidelines for Variant Classification in Rare Disease 2020. Collection method: clinical testing. Allele origin: germline. Affected: yes.
Comment: PM1,PM2_Supporting

Labcorp Genetics (formerly Invitae), Labcorp
Classification: Likely benign for Familial hypobetalipoproteinemia 1; Hypercholesterolemia, autosomal dominant, type B. Last evaluated: 2026-01-19. Review status: criteria provided, single submitter. Criteria: Invitae Variant Classification Sherloc (09022015). Collection method: clinical testing. Allele origin: germline.

Molecular Diagnostic Laboratory for Inherited Cardiovascular Disease, Montreal Heart Institute
Classification: Likely benign. Last evaluated: 2025-04-09. Review status: criteria provided, single submitter. Criteria: ACMG Guidelines, 2015. Collection method: clinical testing. Allele origin: germline. Affected: no.

Quest Diagnostics Nichols Institute San Juan Capistrano
Classification: Uncertain significance. Last evaluated: 2024-08-01. Review status: criteria provided, single submitter. Criteria: Quest Diagnostics criteria. Collection method: clinical testing. Allele origin: unknown.
Comment: The APOB c.13444A>G (p.Ile4482Val) variant has been reported in the published literature in individuals with familial hypercholesterolemia (PMIDs: 22095935 (2012) and 35913489 (2022)). The frequency of this variant in the general population, 0.00054 (14/26118 chromosomes (Genome Aggregation Database)), is uninformative in the assessment of its pathogenicity. Analysis of this variant using bioinformatics tools for the prediction of the effect of amino acid changes on protein structure and function yielded predictions that this variant is benign. Based on the available information, we are unable to determine the clinical significance of this variant.

Ambry Genetics
Classification: Likely benign for Cardiovascular phenotype. Last evaluated: 2022-08-19. Review status: criteria provided, single submitter. Criteria: Ambry Variant Classification Scheme 2023. Collection method: clinical testing. Allele origin: germline.

GeneDx
Classification: Uncertain significance. Last evaluated: 2022-06-13. Review status: criteria provided, single submitter. Criteria: GeneDx Variant Classification Process June 2021. Collection method: clinical testing. Allele origin: germline. Affected: yes.
Comment: Has not been previously published as pathogenic or benign to our knowledge; In silico analysis supports that this missense variant does not alter protein structure/function

New York Genome Center
Classification: Uncertain significance for Hypercholesterolemia, autosomal dominant, type B; Familial hypobetalipoproteinemia 1. Last evaluated: 2021-03-21. Review status: criteria provided, single submitter. Criteria: NYGC Assertion Criteria 2020. Collection method: clinical testing. Allele origin: germline. Observed: 1 heterozygote.
Comment: The c.13444A>G (p.Ile4482Val) variant identified in the APOB gene substitutes a poorly conserved Isoleucine for Valine at amino acid 4482/4564 (exon 29/29). This variant is found with an allele frequency of 1.77e-4 (27 heterozygotes, 0 homozygotes) in gnomAD(v3.1.1). In silico algorithms predict this variant to be Tolerated (SIFT; score:1.0) and Benign (REVEL; score: 0.0149) to the function of the canonical transcript. This variant is reported by multiple independent labs in ClinVar as a Variant of Uncertain Significance (VarID:334069) and has been identified in one individual in the literature who was diagnosed with Autosomal Dominant Hypercholesterolemia [PMID:22095935]. The p.Ile4482 residue is not within a mapped domain of APOB (UniProtKB:P04114). Given the lack of compelling evidence for its pathogenicity, the c.13444A>G (p.Ile4482Val) variant identified in the APOB gene is reported as a Variant of Uncertain Significance.

Illumina Laboratory Services, Illumina
Classification: Uncertain significance for Hypercholesterolemia, autosomal dominant, type B. Last evaluated: 2018-01-12. Review status: criteria provided, single submitter. Criteria: ICSL Variant Classification Criteria 13 December 2019. Collection method: clinical testing. Allele origin: germline.

Illumina Laboratory Services, Illumina
Classification: Uncertain significance for Familial hypobetalipoproteinemia 1. Last evaluated: 2018-01-12. Review status: criteria provided, single submitter. Criteria: ICSL Variant Classification Criteria 13 December 2019. Collection method: clinical testing. Allele origin: germline.

Clinical Genetics DNA and cytogenetics Diagnostics Lab, Erasmus MC, Erasmus Medical Center
Classification: Likely benign. Review status: no assertion criteria provided. Collection method: clinical testing. Allele origin: germline. Affected: yes. Study: VKGL Data-share Consensus. Not counted in ClinVar's aggregate classification.

Clinical Genetics, Academic Medical Center
Classification: Likely benign. Review status: no assertion criteria provided. Collection method: clinical testing. Allele origin: germline. Affected: yes. Study: VKGL Data-share Consensus. Not counted in ClinVar's aggregate classification.

Literature cited by the submitters: PubMed 22095935 (cited by Quest Diagnostics Nichols Institute San Juan Capistrano and Ambry Genetics); PubMed 37937776 (cited by Quest Diagnostics Nichols Institute San Juan Capistrano); PubMed 35913489 (cited by Quest Diagnostics Nichols Institute San Juan Capistrano).

NM_000384.3(APOB):c.13444A>G (p.Ile4482Val)

Gene: APOB (apolipoprotein B; minus strand). Cytogenetic location: 2p24.1.
Variant type: single nucleotide variant.
Coding change: c.13444A>G on transcript NM_000384.3 (MANE Select); coding-DNA position 13444, A replaced by G.
Protein change: p.Ile4482Val; replaces isoleucine 4482 with valine.
Molecular consequence: missense variant.
Genome position (GRCh38, 1-based): chr2:21,001,978, T>C on the plus strand (A>G on the coding strand, the complement: APOB is on the minus strand). VCF-style: chr2-21001978-T-C. GRCh37 (hg19) VCF-style: chr2-21224850-T-C.
Other names: short protein forms I4482V.
Identifiers: ClinVar variation 334069 (VCV000334069.37), dbSNP rs142702699, ClinGen allele CA052749.